The following is an entry in ClinVar:

NM_172107.4(KCNQ2):c.479G>T (p.Arg160Leu)

Gene: KCNQ2 (potassium voltage-gated channel subfamily Q member 2; minus strand). Cytogenetic location: 20q13.33.
Variant type: single nucleotide variant.
Coding change: c.479G>T on transcript NM_172107.4 (MANE Select); coding-DNA position 479, G replaced by T.
Protein change: p.Arg160Leu; replaces arginine 160 with leucine.
Molecular consequence: missense variant.
Genome position (GRCh38, 1-based): chr20:63,445,273, C>A on the plus strand (G>T on the coding strand, the complement: KCNQ2 is on the minus strand). VCF-style: chr20-63445273-C-A. GRCh37 (hg19) VCF-style: chr20-62076626-C-A.
Other names: c.479G>T, p.Arg160Leu (NM_001382235.1, NM_004518.6, NM_172106.3 and 2 more transcripts); short protein forms R160L.
Identifiers: ClinVar variation 2185683 (VCV002185683.4), dbSNP rs1057518323, ClinGen allele CA409655196.

ClinVar aggregate classification (germline): Uncertain significance (1 of 4 stars; one submission).

Conditions:
Early-infantile DEE. Also called: Early infantile epileptic encephalopathy with suppression bursts; Early infantile epileptic encephalopathy; Ohtahara syndrome. Identifiers: Orphanet 1934, MedGen C0393706, MONDO:0800491.

Submission:

Labcorp Genetics (formerly Invitae), Labcorp
Classification: Uncertain significance for Early-infantile DEE. Last evaluated: 2022-11-08. Review status: criteria provided, single submitter. Criteria: Invitae Variant Classification Sherloc (09022015). Collection method: clinical testing. Allele origin: germline.
Comment: In summary, the available evidence is currently insufficient to determine the role of this variant in disease. Therefore, it has been classified as a Variant of Uncertain Significance. This sequence change replaces arginine, which is basic and polar, with leucine, which is neutral and non-polar, at codon 160 of the KCNQ2 protein (p.Arg160Leu). This variant is not present in population databases (gnomAD no frequency). This variant has not been reported in the literature in individuals affected with KCNQ2-related conditions. Advanced modeling of protein sequence and biophysical properties (such as structural, functional, and spatial information, amino acid conservation, physicochemical variation, residue mobility, and thermodynamic stability) performed at Invitae indicates that this missense variant is expected to disrupt KCNQ2 protein function. Experimental studies have shown that this missense change affects KCNQ2 function (PMID: 26469389).

Literature cited by the submitters: PubMed 26469389.